The following is an entry in ClinVar:

ClinVar aggregate classification (germline): Uncertain significance. Review status: criteria provided, multiple submitters, no conflicts (2 of 4 stars). 5 submissions from 5 submitters: Uncertain significance (5). Last evaluated 2023-07-17.

Conditions:
Inborn genetic diseases. Identifiers: MedGen C0950123, MeSH D030342.
Neuronal ceroid lipofuscinosis. Also called: Neuronal Ceroid Lipofuscinoses. Identifiers: Orphanet 216, Orphanet 79263, MedGen C0027877, MONDO:0016295. Disease mechanism: loss of function.
Neuronal ceroid lipofuscinosis 10 (CLN10). Also called: CTSD-Related Neuronal Ceroid-Lipofuscinosis; NEURONAL CEROID LIPOFUSCINOSIS DUE TO CATHEPSIN D DEFICIENCY. Identifiers: Orphanet 228337, MedGen C1864669, MONDO:0012414, OMIM 610127.

Allele frequency attached by ClinVar (database versions not stated): gnomAD exomes 0.00001 and 0.00002; ExAC 0.00003; gnomAD 0.00011; 1000 Genomes Project 30x 0.00016; 1000 Genomes Project 0.00020; TOPMed 0.00028.

Submissions (5):

Ambry Genetics
Classification: Uncertain significance for Inborn genetic diseases. Last evaluated: 2023-07-17. Review status: criteria provided, single submitter. Criteria: Ambry Variant Classification Scheme 2023. Collection method: clinical testing. Allele origin: germline.

GeneDx
Classification: Uncertain significance. Last evaluated: 2023-07-12. Review status: criteria provided, single submitter. Criteria: GeneDx Variant Classification Process June 2021. Collection method: clinical testing. Allele origin: germline. Affected: yes.
Comment: Not observed at significant frequency in large population cohorts (gnomAD); In silico analysis supports that this missense variant does not alter protein structure/function; Has not been previously published as pathogenic or benign to our knowledge

Blueprint Genetics
Classification: Uncertain significance. Last evaluated: 2022-09-16. Review status: criteria provided, single submitter. Criteria: ACMG Guidelines, 2015. Collection method: clinical testing. Allele origin: germline.

Labcorp Genetics (formerly Invitae), Labcorp
Classification: Uncertain significance for Neuronal ceroid lipofuscinosis. Last evaluated: 2022-09-13. Review status: criteria provided, single submitter. Criteria: Invitae Variant Classification Sherloc (09022015). Collection method: clinical testing. Allele origin: germline.
Comment: This sequence change replaces isoleucine, which is neutral and non-polar, with valine, which is neutral and non-polar, at codon 198 of the CTSD protein (p.Ile198Val). This variant is present in population databases (rs556334193, gnomAD 0.02%). This variant has not been reported in the literature in individuals affected with CTSD-related conditions. ClinVar contains an entry for this variant (Variation ID: 527749). Advanced modeling of protein sequence and biophysical properties (such as structural, functional, and spatial information, amino acid conservation, physicochemical variation, residue mobility, and thermodynamic stability) performed at Invitae indicates that this missense variant is not expected to disrupt CTSD protein function. In summary, the available evidence is currently insufficient to determine the role of this variant in disease. Therefore, it has been classified as a Variant of Uncertain Significance.

New York Genome Center
Classification: Uncertain significance for Neuronal ceroid lipofuscinosis 10. Last evaluated: 2022-02-07. Review status: criteria provided, single submitter. Criteria: NYGC Assertion Criteria 2020. Collection method: clinical testing. Allele origin: germline. Observed: 1 heterozygote. Study: CSER-NYCKidSeq.

NM_001909.5(CTSD):c.592A>G (p.Ile198Val)

Gene: CTSD (cathepsin D; minus strand). Cytogenetic location: 11p15.5.
Variant type: single nucleotide variant.
Coding change: c.592A>G on transcript NM_001909.5 (MANE Select); coding-DNA position 592, A replaced by G.
Protein change: p.Ile198Val; replaces isoleucine 198 with valine.
Molecular consequence: missense variant.
Genome position (GRCh38, 1-based): chr11:1,757,436, T>C on the plus strand (A>G on the coding strand, the complement: CTSD is on the minus strand). VCF-style: chr11-1757436-T-C. GRCh37 (hg19) VCF-style: chr11-1778666-T-C.
Other names: short protein forms I198V.
Identifiers: ClinVar variation 527749 (VCV000527749.17), dbSNP rs556334193, ClinGen allele CA5814132.